The following is an entry in ClinVar:

NM_032193.4(RNASEH2C):c.49C>A (p.Arg17Ser)

Genes: RNASEH2C (ribonuclease H2 subunit C; minus strand), LOC130006061 (ATAC-STARR-seq lymphoblastoid silent region 3553; plus strand). Cytogenetic location: 11q13.1.
Variant type: single nucleotide variant.
Coding change: c.49C>A on transcript NM_032193.4 (MANE Select); coding-DNA position 49, C replaced by A.
Protein change: p.Arg17Ser; replaces arginine 17 with serine.
Molecular consequence: missense variant.
Genome position (GRCh38, 1-based): chr11:65,720,710, G>T on the plus strand (C>A on the coding strand, the complement: RNASEH2C is on the minus strand). VCF-style: chr11-65720710-G-T. GRCh37 (hg19) VCF-style: chr11-65488181-G-T.
Other names: short protein forms R17S.
Identifiers: ClinVar variation 934107 (VCV000934107.10), dbSNP rs1857362640, ClinGen allele CA381299581.

ClinVar aggregate classification (germline): Uncertain significance (1 of 4 stars; one submission).

Conditions:
Aicardi-Goutieres syndrome 3. Identifiers: Orphanet 51, MedGen C1835916, MONDO:0012471, OMIM 610329.

Submission:

Labcorp Genetics (formerly Invitae), Labcorp
Classification: Uncertain significance for Aicardi-Goutieres syndrome 3. Last evaluated: 2019-05-13. Review status: criteria provided, single submitter. Criteria: Invitae Variant Classification Sherloc (09022015). Collection method: clinical testing. Allele origin: germline.
Comment: In summary, the available evidence is currently insufficient to determine the role of this variant in disease. Therefore, it has been classified as a Variant of Uncertain Significance. Algorithms developed to predict the effect of missense changes on protein structure and function are either unavailable or do not agree on the potential impact of this missense change (SIFT: "Tolerated"; PolyPhen-2: "Probably Damaging"; Align-GVGD: "Class C0"). This variant has not been reported in the literature in individuals with RNASEH2C-related conditions. This variant is not present in population databases (ExAC no frequency). This sequence change replaces arginine with serine at codon 17 of the RNASEH2C protein (p.Arg17Ser). The arginine residue is moderately conserved and there is a moderate physicochemical difference between arginine and serine.